The following is an entry in ClinVar:

NM_002691.4(POLD1):c.2933G>A (p.Arg978His)

Gene: POLD1 (DNA polymerase delta 1, catalytic subunit; plus strand). Cytogenetic location: 19q13.33.
Variant type: single nucleotide variant.
Coding change: c.2933G>A on transcript NM_002691.4 (MANE Select); coding-DNA position 2933, G replaced by A.
Protein change: p.Arg978His; replaces arginine 978 with histidine.
Molecular consequence: missense variant. On other transcripts: non-coding transcript variant (1).
Genome position (GRCh38, 1-based): chr19:50,416,508, G>A. VCF-style: chr19-50416508-G-A. GRCh37 (hg19) VCF-style: chr19-50919765-G-A.
Other names: c.2933G>A, p.Arg978His (NM_001256849.1); c.3011G>A, p.Arg1004His (NM_001308632.1); short protein forms R1004H, R978H.
Identifiers: ClinVar variation 239319 (VCV000239319.19), dbSNP rs371628260, ClinGen allele CA9596687.

ClinVar aggregate classification (germline): Conflicting classifications of pathogenicity. Review status: criteria provided, conflicting classifications (1 of 4 stars). 5 submissions from 5 submitters: Uncertain significance (4); Likely benign (1). Last evaluated 2026-07-23.

Conditions:
POLD1-related polyposis and colorectal cancer syndrome (CRCS10). Also called: Colorectal cancer 10; Colorectal cancer, susceptibility to, 10; COLORECTAL CANCER, SUSCEPTIBILITY TO, ON CHROMOSOME 19q. Identifiers: Orphanet 220460, MedGen C2675481, MONDO:0012953, OMIM 612591.
Immunodeficiency 120. Identifiers: MedGen C5935622, MONDO:0970994, OMIM 620836.
Mandibular hypoplasia-deafness-progeroid syndrome. Also called: Mandibular hypoplasia, deafness, progeroid features, and lipodystrophy syndrome. Identifiers: Orphanet 363649, MedGen C3715192, MONDO:0014157, OMIM 615381.
Hereditary cancer-predisposing syndrome. Also called: Tumor predisposition; Neoplastic Syndromes, Hereditary; Hereditary Cancer Syndrome; Hereditary neoplastic syndrome. Identifiers: Orphanet 140162, MedGen C0027672, MeSH D009386, MONDO:0015356.

Allele frequency attached by ClinVar (database versions not stated): ExAC below 0.00001; gnomAD 0.00001; TOPMed 0.00002; ESP Exome Variant Server 0.00008.
gnomAD v4.1: 14 of 1,552,484 alleles (0.0009%); highest among the groups gnomAD compares: Admixed American, 0.0019%; no homozygotes.

Submissions (5):

Ambry Genetics
Classification: Likely benign for Hereditary cancer-predisposing syndrome. Last evaluated: 2026-07-23. Review status: criteria provided, single submitter. Criteria: Ambry Variant Classification Scheme 2023. Collection method: clinical testing. Allele origin: germline.

Labcorp Genetics (formerly Invitae), Labcorp
Classification: Uncertain significance for POLD1-related polyposis and colorectal cancer syndrome. Last evaluated: 2025-11-24. Review status: criteria provided, single submitter. Criteria: Invitae Variant Classification Sherloc (09022015). Collection method: clinical testing. Allele origin: germline.
Comment: This sequence change replaces arginine, which is basic and polar, with histidine, which is basic and polar, at codon 978 of the POLD1 protein (p.Arg978His). The frequency data for this variant in the population databases is considered unreliable, as metrics indicate poor data quality at this position in the gnomAD database. This variant has not been reported in the literature in individuals affected with POLD1-related conditions. ClinVar contains an entry for this variant (Variation ID: 239319). An algorithm developed to predict the effect of missense changes on protein structure and function (PolyPhen-2) suggests that this variant is likely to be tolerated. In summary, the available evidence is currently insufficient to determine the role of this variant in disease. Therefore, it has been classified as a Variant of Uncertain Significance.

GeneDx
Classification: Uncertain significance. Last evaluated: 2025-02-28. Review status: criteria provided, single submitter. Criteria: GeneDx Variant Classification Process June 2021. Collection method: clinical testing. Allele origin: germline. Affected: yes.
Comment: Not observed at significant frequency in large population cohorts (gnomAD); In silico analysis supports that this missense variant has a deleterious effect on protein structure/function; Has not been previously published as pathogenic or benign to our knowledge

Fulgent Genetics
Classification: Uncertain significance for POLD1-related polyposis and colorectal cancer syndrome; Mandibular hypoplasia-deafness-progeroid syndrome; Immunodeficiency 120. Last evaluated: 2024-05-02. Review status: criteria provided, single submitter. Criteria: ACMG Guidelines, 2015. Collection method: clinical testing. Allele origin: germline.

St. Jude Molecular Pathology, St. Jude Children's Research Hospital
Classification: Uncertain significance for POLD1-related polyposis and colorectal cancer syndrome. Last evaluated: 2021-08-05. Review status: criteria provided, single submitter. Criteria: St. Jude Assertion Criteria 2020. Collection method: clinical testing. Allele origin: germline.
Comment: The POLD1 c.2933G>A (p.Arg978His) missense change has a maximum subpopulation frequency of 0.0043% in gnomAD v2.1.1, however this data may be unreliable due to poor data quality at this location. In silico tools are not in agreement about the effect of this variant on protein function, but to our knowledge these predictions have not been confirmed by functional assays. This variant has been reported in a tumor with low tumor mutational burden (PMID: 29056344). To our knowledge, this variant has not been reported in the literature in individuals with POLD1-related disease. In summary, this variant meets criteria to be classified as of uncertain significance based on the ACMG/AMP criteria: no criteria met.